The following is an entry in ClinVar:

ClinVar aggregate classification (germline): Pathogenic (1 of 4 stars; one submission).

Submission:

GeneDx
Classification: Pathogenic. Last evaluated: 2023-05-01. Review status: criteria provided, single submitter. Criteria: GeneDx Variant Classification Process June 2021. Collection method: clinical testing. Allele origin: germline. Affected: yes.
Comment: Not observed at significant frequency in large population cohorts (gnomAD); In silico analysis supports that this missense variant has a deleterious effect on protein structure/function; Has not been previously published as pathogenic or benign to our knowledge

NM_000944.5(PPP3CA):c.451C>G (p.His151Asp)

Gene: PPP3CA (protein phosphatase 3 catalytic subunit alpha; minus strand). Cytogenetic location: 4q24.
Variant type: single nucleotide variant.
Coding change: c.451C>G on transcript NM_000944.5 (MANE Select); coding-DNA position 451, C replaced by G.
Protein change: p.His151Asp; replaces histidine 151 with aspartic acid.
Molecular consequence: missense variant.
Genome position (GRCh38, 1-based): chr4:101,099,656, G>C on the plus strand (C>G on the coding strand, the complement: PPP3CA is on the minus strand). VCF-style: chr4-101099656-G-C. GRCh37 (hg19) VCF-style: chr4-102020813-G-C.
Other names: c.451C>G, p.His151Asp (NM_001130691.2, NM_001130692.2); short protein forms H151D.
Identifiers: ClinVar variation 2504846 (VCV002504846.1), dbSNP rs2475928244, ClinGen allele CA357950237.